The following is an entry in ClinVar:

NM_198880.3(QRICH1):c.1109A>G (p.Asn370Ser)

Gene: QRICH1 (glutamine rich 1; minus strand). Cytogenetic location: 3p21.31.
Variant type: single nucleotide variant.
Coding change: c.1109A>G on transcript NM_198880.3 (MANE Select); coding-DNA position 1109, A replaced by G.
Protein change: p.Asn370Ser; replaces asparagine 370 with serine.
Molecular consequence: missense variant.
Genome position (GRCh38, 1-based): chr3:49,057,091, T>C on the plus strand (A>G on the coding strand, the complement: QRICH1 is on the minus strand). VCF-style: chr3-49057091-T-C. GRCh37 (hg19) VCF-style: chr3-49094524-T-C.
Other names: c.1109A>G, p.Asn370Ser (NM_001320580.2, NM_001320581.2, NM_001320582.2 and 4 more transcripts); short protein forms N370S.
Identifiers: ClinVar variation 4628746 (VCV004628746.1).

ClinVar aggregate classification (germline): Uncertain significance (1 of 4 stars; one submission).

Conditions:
Inborn genetic diseases. Identifiers: MedGen C0950123, MeSH D030342.

gnomAD v4.1: 2 of 1,613,360 alleles (0.00012%); highest among the groups gnomAD compares: Non-Finnish European, 0.00017%; no homozygotes.

Submission:

Ambry Genetics
Classification: Uncertain significance for Inborn genetic diseases. Last evaluated: 2025-11-24. Review status: criteria provided, single submitter. Criteria: Ambry Variant Classification Scheme 2023. Collection method: clinical testing. Allele origin: germline.
Comment: The c.1109A>G (p.N370S) alteration is located in exon 4 (coding exon 2) of the QRICH1 gene. This alteration results from a A to G substitution at nucleotide position 1109, causing the asparagine (N) at amino acid position 370 to be replaced by a serine (S). Based on data from gnomAD, the G allele has an overall frequency of <0.001% (1/251472) total alleles studied. The highest observed frequency was 0.001% (1/113750) of European (non-Finnish) alleles. Based on insufficient or conflicting evidence, the clinical significance of this alteration remains unclear.